The following is an entry in ClinVar:

ClinVar aggregate classification (germline): Conflicting classifications of pathogenicity. Review status: criteria provided, conflicting classifications (1 of 4 stars). 5 submissions from 5 submitters: Uncertain significance (2); Likely benign (2). 1 of the submissions does not count toward it. Last evaluated 2026-05-01.

Allele frequency attached by ClinVar (database versions not stated): gnomAD 0.00001 and 0.00004; gnomAD exomes 0.00004 and 0.00008; TOPMed 0.00005; ExAC 0.00007; ESP Exome Variant Server 0.00015.

Submissions (5):

CeGaT Center for Human Genetics Tuebingen
Classification: Likely benign. Last evaluated: 2026-05-01. Review status: criteria provided, single submitter. Criteria: CeGaT Center For Human Genetics Tuebingen Variant Classification Criteria Version 2. Collection method: clinical testing. Allele origin: germline. Affected: yes. Observed: 1 variant allele.
Comment: NUP107: BP4

Blueprint Genetics
Classification: Likely benign. Last evaluated: 2024-09-27. Review status: criteria provided, single submitter. Criteria: ACMG Guidelines, 2015. Collection method: clinical testing. Allele origin: germline.

Labcorp Genetics (formerly Invitae), Labcorp
Classification: Uncertain significance. Last evaluated: 2022-07-14. Review status: criteria provided, single submitter. Criteria: Invitae Variant Classification Sherloc (09022015). Collection method: clinical testing. Allele origin: germline.
Comment: In summary, the available evidence is currently insufficient to determine the role of this variant in disease. Therefore, it has been classified as a Variant of Uncertain Significance. Algorithms developed to predict the effect of missense changes on protein structure and function output the following: SIFT: "Not Available"; PolyPhen-2: "Benign"; Align-GVGD: "Not Available". The asparagine amino acid residue is found in multiple mammalian species, which suggests that this missense change does not adversely affect protein function. ClinVar contains an entry for this variant (Variation ID: 1049513). This variant has not been reported in the literature in individuals affected with NUP107-related conditions. This variant is present in population databases (rs143364178, gnomAD 0.007%). This sequence change replaces serine, which is neutral and polar, with asparagine, which is neutral and polar, at codon 168 of the NUP107 protein (p.Ser168Asn).

Breakthrough Genomics
Classification: Uncertain significance. Review status: criteria provided, single submitter. Criteria: ACMG Guidelines, 2015. Collection method: not provided. Allele origin: germline. Inheritance: Autosomal recessive inheritance. Affected: yes.

Department of Pathology and Laboratory Medicine, Sinai Health System
Classification: Uncertain significance. Review status: no assertion criteria provided. Collection method: clinical testing. Allele origin: unknown. Affected: yes. Study: The Canadian Open Genetics Repository (COGR). Not counted in ClinVar's aggregate classification.
Comment: The NUP107 p.Ser139Asn variant was not identified in the literature nor was it identified in ClinVar or Cosmic. The variant was identified in dbSNP (ID: rs143364178), LOVD 3.0 and in control databases in 11 of 281690 chromosomes at a frequency of 0.000039 (Genome Aggregation Database Feb 27, 2017). The variant was observed in the following populations: Other in 1 of 7190 chromosomes (freq: 0.000139), European (non-Finnish) in 9 of 128876 chromosomes (freq: 0.00007) and Latino in 1 of 35328 chromosomes (freq: 0.000028), while the variant was not observed in the African, Ashkenazi Jewish, East Asian, European (Finnish), and South Asian populations. The p.Ser139 residue is not conserved in mammals and computational analyses (PolyPhen-2, SIFT, AlignGVGD, BLOSUM, MutationTaster) do not suggest a high likelihood of impact to the protein; however, this information is not predictive enough to rule out pathogenicity. The variant occurs outside of the splicing consensus sequence and 3 of 4 in silico or computational prediction software programs (MaxEntScan, NNSPLICE, GeneSplicer) do not predict a difference in splicing. In summary, based on the above information the clinical significance of this variant cannot be determined with certainty at this time. This variant is classified as a variant of uncertain significance.

NM_020401.4(NUP107):c.503G>A (p.Ser168Asn)

Gene: NUP107 (nucleoporin 107; plus strand). Cytogenetic location: 12q15.
Variant type: single nucleotide variant.
Coding change: c.503G>A on transcript NM_020401.4 (MANE Select); coding-DNA position 503, G replaced by A.
Protein change: p.Ser168Asn; replaces serine 168 with asparagine.
Molecular consequence: missense variant.
Genome position (GRCh38, 1-based): chr12:68,696,873, G>A. VCF-style: chr12-68696873-G-A. GRCh37 (hg19) VCF-style: chr12-69090653-G-A.
Other names: c.416G>A, p.Ser139Asn (NM_001330192.2); short protein forms S139N, S168N.
Identifiers: ClinVar variation 1049513 (VCV001049513.8), dbSNP rs143364178, ClinGen allele CA6677457.
Genomic context (GRCh38, chr12:68,696,873, plus strand): 5'-TTCTAGCATCCATGAGTATGTTTTCTGATTTCCTGCAGTCTTTTCTGAAGCACTCTTCGA[G>A]TACAGTTTTTGATCTTGTGGAAGAGTATGAAAACATCTGTGGTAGTCAGGTAAGCTAATT-3'
Protein context (NP_065134.1, residues 158-178): FLQSFLKHSS[Ser168Asn]TVFDLVEEYE